The following is an entry in ClinVar:

ClinVar aggregate classification (germline): Uncertain significance (1 of 4 stars; one submission).

Conditions:
Sulfite oxidase deficiency due to molybdenum cofactor deficiency type C. Also called: Molybdenum cofactor deficiency, complementation group C; Molybdenum cofactor deficiency C. Identifiers: Orphanet 308400, Orphanet 833, MedGen C1854990, MONDO:0014212, OMIM 615501.

Allele frequency attached by ClinVar (database versions not stated): ExAC 0.00002; gnomAD exomes 0.00002; gnomAD 0.00009 and 0.00010; TOPMed 0.00009; 1000 Genomes Project 0.00020; 1000 Genomes Project 30x 0.00031.
gnomAD v4.1: 32 of 1,568,866 alleles (0.002%); highest among the groups gnomAD compares: African/African-American, 0.038%; no homozygotes.

Submission:

Labcorp Genetics (formerly Invitae), Labcorp
Classification: Uncertain significance for Sulfite oxidase deficiency due to molybdenum cofactor deficiency type C. Last evaluated: 2025-07-05. Review status: criteria provided, single submitter. Criteria: Invitae Variant Classification Sherloc (09022015). Collection method: clinical testing. Allele origin: germline.
Comment: This sequence change falls in intron 5 of the GPHN gene. It does not directly change the encoded amino acid sequence of the GPHN protein. It affects a nucleotide within the consensus splice site. This variant is present in population databases (rs527251241, gnomAD 0.03%). This variant has not been reported in the literature in individuals affected with GPHN-related conditions. ClinVar contains an entry for this variant (Variation ID: 645767). Variants that disrupt the consensus splice site are a relatively common cause of aberrant splicing (PMID: 17576681, 9536098). Algorithms developed to predict the effect of sequence changes on RNA splicing suggest that this variant is not likely to affect RNA splicing. In summary, the available evidence is currently insufficient to determine the role of this variant in disease. Therefore, it has been classified as a Variant of Uncertain Significance.

Literature cited by the submitters: PubMed 17576681; PubMed 9536098.

NM_020806.5(GPHN):c.390-3C>T

Gene: GPHN (gephyrin; plus strand). Cytogenetic location: 14q23.3.
Variant type: single nucleotide variant.
Coding change: c.390-3C>T on transcript NM_020806.5 (MANE Select); 3 bases into the intron before coding-DNA position 390, C replaced by T.
Molecular consequence: intron variant.
Genome position (GRCh38, 1-based): chr14:66,916,000, C>T. VCF-style: chr14-66916000-C-T. GRCh37 (hg19) VCF-style: chr14-67382717-C-T.
Other names: c.429-3C>T (NM_001377514.1, NM_001377519.1); c.390-3C>T (NM_001377515.1, NM_001377516.1, NM_001377518.1 and 2 more transcripts).
Identifiers: ClinVar variation 645767 (VCV000645767.9), dbSNP rs527251241, ClinGen allele CA7233748.